The following is an entry in ClinVar:

ClinVar aggregate classification (germline): Uncertain significance (1 of 4 stars; one submission).

Submission:

Labcorp Genetics (formerly Invitae), Labcorp
Classification: Uncertain significance. Last evaluated: 2024-07-20. Review status: criteria provided, single submitter. Criteria: Invitae Variant Classification Sherloc (09022015). Collection method: clinical testing. Allele origin: germline.
Comment: This sequence change replaces cysteine, which is neutral and slightly polar, with tyrosine, which is neutral and polar, at codon 666 of the CSF1R protein (p.Cys666Tyr). This variant is not present in population databases (gnomAD no frequency). This variant has not been reported in the literature in individuals affected with CSF1R-related conditions. Advanced modeling of protein sequence and biophysical properties (such as structural, functional, and spatial information, amino acid conservation, physicochemical variation, residue mobility, and thermodynamic stability) has been performed at Invitae for this missense variant, however the output from this modeling did not meet the statistical confidence thresholds required to predict the impact of this variant on CSF1R protein function. In summary, the available evidence is currently insufficient to determine the role of this variant in disease. Therefore, it has been classified as a Variant of Uncertain Significance.

NM_001288705.3(CSF1R):c.1997G>A (p.Cys666Tyr)

Gene: CSF1R (colony stimulating factor 1 receptor; minus strand). Cytogenetic location: 5q32.
Variant type: single nucleotide variant.
Coding change: c.1997G>A on transcript NM_001288705.3 (MANE Select); coding-DNA position 1997, G replaced by A.
Protein change: p.Cys666Tyr; replaces cysteine 666 with tyrosine.
Molecular consequence: missense variant.
Genome position (GRCh38, 1-based): chr5:150,059,835, C>T on the plus strand (G>A on the coding strand, the complement: CSF1R is on the minus strand). VCF-style: chr5-150059835-C-T. GRCh37 (hg19) VCF-style: chr5-149439398-C-T.
Other names: c.1997G>A, p.Cys666Tyr (NM_005211.4, NM_001349736.2, NM_001375320.1); c.1553G>A, p.Cys518Tyr (NM_001375321.1); short protein forms C666Y, C518Y.
Identifiers: ClinVar variation 3689744 (VCV003689744.2).